The following is an entry in ClinVar:

ClinVar aggregate classification (germline): Uncertain significance (1 of 4 stars; one submission).

Allele frequency attached by ClinVar (database versions not stated): ExAC 0.00001.
gnomAD v4.1: 44 of 1,612,580 alleles (0.0027%); highest among the groups gnomAD compares: Non-Finnish European, 0.0033%; no homozygotes.

Submission:

Labcorp Genetics (formerly Invitae), Labcorp
Classification: Uncertain significance. Last evaluated: 2025-08-18. Review status: criteria provided, single submitter. Criteria: Invitae Variant Classification Sherloc (09022015). Collection method: clinical testing. Allele origin: germline.
Comment: This sequence change replaces alanine, which is neutral and non-polar, with valine, which is neutral and non-polar, at codon 553 of the CAMTA1 protein (p.Ala553Val). This variant is present in population databases (rs754160101, gnomAD 0.004%). This variant has not been reported in the literature in individuals affected with CAMTA1-related conditions. ClinVar contains an entry for this variant (Variation ID: 2965005). Invitae Evidence Modeling of protein sequence and biophysical properties (such as structural, functional, and spatial information, amino acid conservation, physicochemical variation, residue mobility, and thermodynamic stability) indicates that this missense variant is not expected to disrupt CAMTA1 protein function with a negative predictive value of 80%. In summary, the available evidence is currently insufficient to determine the role of this variant in disease. Therefore, it has been classified as a Variant of Uncertain Significance.

NM_015215.4(CAMTA1):c.1658C>T (p.Ala553Val)

Gene: CAMTA1 (calmodulin binding transcription activator 1; plus strand). Cytogenetic location: 1p36.23.
Variant type: single nucleotide variant.
Coding change: c.1658C>T on transcript NM_015215.4 (MANE Select); coding-DNA position 1658, C replaced by T.
Protein change: p.Ala553Val; replaces alanine 553 with valine.
Molecular consequence: missense variant.
Genome position (GRCh38, 1-based): chr1:7,664,205, C>T. VCF-style: chr1-7664205-C-T. GRCh37 (hg19) VCF-style: chr1-7724265-C-T.
Other names: c.1568C>T, p.Ala523Val (NM_001349608.2, NM_001349612.2); c.1658C>T, p.Ala553Val (NM_001349609.2, NM_001349610.2, NM_001410737.1); c.1586C>T, p.Ala529Val (NM_001410738.1); short protein forms A523V, A553V, A529V.
Identifiers: ClinVar variation 2965005 (VCV002965005.3), dbSNP rs754160101, ClinGen allele CA566483.